The following is an entry in ClinVar:

ClinVar aggregate classification (germline): Conflicting classifications of pathogenicity. Review status: criteria provided, conflicting classifications (1 of 4 stars). 5 submissions from 5 submitters: Likely pathogenic (1); Uncertain significance (4). Last evaluated 2024-05-03.

Conditions:
Mitochondrial complex IV deficiency, nuclear type 11. Also called: Mitochondrial complex 4 deficiency, nuclear type 11. Identifiers: MedGen C5436694, MONDO:0033645, OMIM 619054.
Mitochondrial complex IV deficiency, nuclear type 1 (MC4DN1). Also called: Mitochondrial complex IV deficiency; Complex 4 mitochondrial respiratory chain deficiency; Deficiency of mitochondrial respiratory chain complex4; Complex IV deficiency; COX DEFICIENCY. Identifiers: MedGen C5435656, MONDO:0700250, OMIM 220110. Disease mechanism: loss of function.

Allele frequency attached by ClinVar (database versions not stated): gnomAD exomes 0.00002; TOPMed 0.00003; gnomAD 0.00005 and 0.00006; ESP Exome Variant Server 0.00008.
gnomAD v4.1: 20 of 1,609,338 alleles (0.0012%); highest among the groups gnomAD compares: African/African-American, 0.024%; no homozygotes.

Submissions (5):

Fulgent Genetics
Classification: Uncertain significance for Mitochondrial complex IV deficiency, nuclear type 11. Last evaluated: 2024-05-03. Review status: criteria provided, single submitter. Criteria: ACMG Guidelines, 2015. Collection method: clinical testing. Allele origin: germline.

Labcorp Genetics (formerly Invitae), Labcorp
Classification: Uncertain significance. Last evaluated: 2022-08-21. Review status: criteria provided, single submitter. Criteria: Invitae Variant Classification Sherloc (09022015). Collection method: clinical testing. Allele origin: germline.
Comment: This sequence change replaces phenylalanine, which is neutral and non-polar, with cysteine, which is neutral and slightly polar, at codon 66 of the COX20 protein (p.Phe66Cys). This variant is present in population databases (rs147700538, gnomAD 0.02%). This variant has not been reported in the literature in individuals affected with COX20-related conditions. ClinVar contains an entry for this variant (Variation ID: 214271). Advanced modeling of protein sequence and biophysical properties (such as structural, functional, and spatial information, amino acid conservation, physicochemical variation, residue mobility, and thermodynamic stability) performed at Invitae indicates that this missense variant is expected to disrupt COX20 protein function. In summary, the available evidence is currently insufficient to determine the role of this variant in disease. Therefore, it has been classified as a Variant of Uncertain Significance.

Blueprint Genetics
Classification: Uncertain significance. Last evaluated: 2020-12-03. Review status: criteria provided, single submitter. Criteria: ACMG Guidelines, 2015. Collection method: clinical testing. Allele origin: germline.

New York Genome Center
Classification: Uncertain significance for Mitochondrial complex IV deficiency, nuclear type 1. Last evaluated: 2020-07-03. Review status: criteria provided, single submitter. Criteria: NYGC Assertion Criteria 2020. Collection method: clinical testing. Allele origin: germline. Observed: 1 heterozygote. Study: CSER-NYCKidSeq.

GeneDx
Classification: Likely pathogenic. Last evaluated: 2014-05-14. Review status: criteria provided, single submitter. Criteria: GeneDx Variant Classification (06012015). Collection method: clinical testing. Allele origin: germline. Affected: yes.
Comment: p.Phe66Cys (TTT>TGT): c.197 T>G in exon 3 of the COX20 gene (NM_198076.4) A F66C variant that is likely pathogenic was identified in the COX20 gene. It has not been published as a mutation, nor has it been reported as a benign polymorphism to our knowledge. The F66C variant is a non-conservative amino acid substitution, which is likely to impact secondary protein structure as these residues differ in polarity, charge, size and/or other properties. This substitution occurs at a position that is highly conserved across species. In silico analysis predicts this variant is probably damaging to the protein structure/function. Therefore, this variant is a strong candidate for a pathogenic mutation, however the possibility that it is a benign variant cannot be excluded. The variant is found in MITONUC-MITOP panel(s).

NM_198076.6(COX20):c.197T>G (p.Phe66Cys)

Gene: COX20 (cytochrome c oxidase assembly factor COX20; plus strand). Cytogenetic location: 1q44.
Variant type: single nucleotide variant.
Coding change: c.197T>G on transcript NM_198076.6 (MANE Select); coding-DNA position 197, T replaced by G.
Protein change: p.Phe66Cys; replaces phenylalanine 66 with cysteine.
Molecular consequence: missense variant. On other transcripts: non-coding transcript variant (3), 3 prime UTR variant (1).
Genome position (GRCh38, 1-based): chr1:244,842,234, T>G. VCF-style: chr1-244842234-T-G. GRCh37 (hg19) VCF-style: chr1-245005536-T-G.
Other names: p.F66C:TTT>TGT; c.233T>G, p.Phe78Cys (NM_001312872.1); c.62T>G, p.Phe21Cys (NM_001312873.1); c.*7T>G (NM_001312874.1); c.197T>G, p.Phe66Cys (NM_001312871.1); short protein forms F66C, F78C, F21C.
Identifiers: ClinVar variation 214271 (VCV000214271.7), dbSNP rs147700538, ClinGen allele CA324400.